The following is an entry in ClinVar:

ClinVar aggregate classification (germline): Uncertain significance (1 of 4 stars; one submission).

Allele frequency attached by ClinVar (database versions not stated): gnomAD exomes below 0.00001.
gnomAD v4.1: 1 of 1,613,772 alleles (0.000062%); highest among the groups gnomAD compares: East Asian, 0.0022%; no homozygotes.

Submission:

GeneDx
Classification: Uncertain significance. Last evaluated: 2022-06-03. Review status: criteria provided, single submitter. Criteria: GeneDx Variant Classification Process June 2021. Collection method: clinical testing. Allele origin: germline. Affected: yes.
Comment: Has not been previously published as pathogenic or benign to our knowledge; Not observed at significant frequency in large population cohorts (gnomAD); In silico analysis supports that this missense variant has a deleterious effect on protein structure/function

NM_001366145.2(TRPM3):c.772G>A (p.Glu258Lys)

Gene: TRPM3 (transient receptor potential cation channel subfamily M member 3; minus strand). Cytogenetic location: 9q21.12.
Variant type: single nucleotide variant.
Coding change: c.772G>A on transcript NM_001366145.2 (MANE Select); coding-DNA position 772, G replaced by A.
Protein change: p.Glu258Lys; replaces glutamic acid 258 with lysine.
Molecular consequence: missense variant.
Genome position (GRCh38, 1-based): chr9:70,843,032, C>T on the plus strand (G>A on the coding strand, the complement: TRPM3 is on the minus strand). VCF-style: chr9-70843032-C-T. GRCh37 (hg19) VCF-style: chr9-73457948-C-T.
Other names: c.313G>A, p.Glu105Lys (NM_001007470.3, NM_001366154.2, NM_020952.6 and 6 more transcripts); c.772G>A, p.Glu258Lys (NM_001007471.4, NM_001366146.2, NM_001366147.2 and 6 more transcripts); c.778G>A, p.Glu260Lys (NM_001366141.2, NM_001366142.2, NM_001366143.2 and 1 more transcripts); short protein forms E105K, E258K, E260K.
Identifiers: ClinVar variation 1700517 (VCV001700517.2), dbSNP rs2094780282, ClinGen allele CA373556324.
Genomic context (GRCh38, chr9:70,843,032, plus strand): 5'-GTCATGGAAAGCGACAGCACTCAGGACTTACATCTCTTCCAATGAGGTCCTCCTGGTTTT[C>T]CACAATTCCCCAGGGGGCAATACCTATGGTGCATATCTTTCCTCGAGACTTAGAGGCATG-3'
Protein context (NP_001353074.1, residues 248-268): TIGIAPWGIV[Glu258Lys]NQEDLIGRDV